The following is an entry in ClinVar:

ClinVar aggregate classification (germline): Benign/Likely benign. Review status: criteria provided, multiple submitters, no conflicts (2 of 4 stars). 3 submissions from 3 submitters: Benign (1); Likely benign (2). Last evaluated 2025-12-16.

Allele frequency attached by ClinVar (database versions not stated): 1000 Genomes Project 30x 0.00016; gnomAD 0.00019 and 0.00021; 1000 Genomes Project 0.00020; TOPMed 0.00028; ExAC 0.00033; ESP Exome Variant Server 0.00054.
gnomAD v4.1: 320 of 1,613,806 alleles (0.02%); highest among the groups gnomAD compares: Middle Eastern, 0.033%; no homozygotes.

Submissions (3):

Labcorp Genetics (formerly Invitae), Labcorp
Classification: Benign. Last evaluated: 2025-12-16. Review status: criteria provided, single submitter. Criteria: Invitae Variant Classification Sherloc (09022015). Collection method: clinical testing. Allele origin: germline.

Blueprint Genetics
Classification: Likely benign. Last evaluated: 2024-06-13. Review status: criteria provided, single submitter. Criteria: ACMG Guidelines, 2015. Collection method: clinical testing. Allele origin: germline.

CeGaT Center for Human Genetics Tuebingen
Classification: Likely benign. Last evaluated: 2024-06-01. Review status: criteria provided, single submitter. Criteria: CeGaT Center For Human Genetics Tuebingen Variant Classification Criteria Version 2. Collection method: clinical testing. Allele origin: germline. Affected: yes. Observed: 1 variant allele.
Comment: TUBGCP6: BP4

NM_020461.4(TUBGCP6):c.4221G>A (p.Ser1407=)

Gene: TUBGCP6 (tubulin gamma complex component 6; minus strand). Cytogenetic location: 22q13.33.
Variant type: single nucleotide variant.
Coding change: c.4221G>A on transcript NM_020461.4 (MANE Select); coding-DNA position 4221, G replaced by A.
Protein change: p.Ser1407=; no amino-acid change (serine 1407 retained).
Molecular consequence: synonymous variant.
Genome position (GRCh38, 1-based): chr22:50,219,738, C>T on the plus strand (G>A on the coding strand, the complement: TUBGCP6 is on the minus strand). VCF-style: chr22-50219738-C-T. GRCh37 (hg19) VCF-style: chr22-50658167-C-T.
Identifiers: ClinVar variation 755767 (VCV000755767.29), dbSNP rs142261025, ClinGen allele CA10307617.